The following is an entry in ClinVar:

NM_002439.5(MSH3):c.2975C>A (p.Ala992Asp)

Gene: MSH3 (mutS homolog 3; plus strand). Cytogenetic location: 5q14.1.
Variant type: single nucleotide variant.
Coding change: c.2975C>A on transcript NM_002439.5 (MANE Select); coding-DNA position 2975, C replaced by A.
Protein change: p.Ala992Asp; replaces alanine 992 with aspartic acid.
Molecular consequence: missense variant.
Genome position (GRCh38, 1-based): chr5:80,854,291, C>A. VCF-style: chr5-80854291-C-A. GRCh37 (hg19) VCF-style: chr5-80150110-C-A.
Other names: c.2975C>A (NM_002439.3); short protein forms A992D.
Identifiers: ClinVar variation 1370834 (VCV001370834.8), dbSNP rs2112106638, ClinGen allele CA360275809.

ClinVar aggregate classification (germline): Uncertain significance. Review status: criteria provided, multiple submitters, no conflicts (2 of 4 stars). 2 submissions from 2 submitters: Uncertain significance (2). Last evaluated 2025-08-01.

Conditions:
Hereditary cancer-predisposing syndrome. Also called: Neoplastic Syndromes, Hereditary; Tumor predisposition; Hereditary neoplastic syndrome; Hereditary Cancer Syndrome. Identifiers: Orphanet 140162, MedGen C0027672, MeSH D009386, MONDO:0015356.

Submissions (2):

Ambry Genetics
Classification: Uncertain significance for Hereditary cancer-predisposing syndrome. Last evaluated: 2025-08-01. Review status: criteria provided, single submitter. Criteria: Ambry Variant Classification Scheme 2023. Collection method: clinical testing. Allele origin: germline.
Comment: The p.A992D variant (also known as c.2975C>A), located in coding exon 21 of the MSH3 gene, results from a C to A substitution at nucleotide position 2975. The alanine at codon 992 is replaced by aspartic acid, an amino acid with dissimilar properties. This amino acid position is conserved. In addition, this alteration is predicted to be deleterious by in silico analysis. Since supporting evidence is limited at this time, the clinical significance of this alteration remains unclear.

Labcorp Genetics (formerly Invitae), Labcorp
Classification: Uncertain significance. Last evaluated: 2024-04-22. Review status: criteria provided, single submitter. Criteria: Invitae Variant Classification Sherloc (09022015). Collection method: clinical testing. Allele origin: germline.
Comment: This sequence change replaces alanine, which is neutral and non-polar, with aspartic acid, which is acidic and polar, at codon 992 of the MSH3 protein (p.Ala992Asp). This variant is not present in population databases (gnomAD no frequency). This variant has not been reported in the literature in individuals affected with MSH3-related conditions. ClinVar contains an entry for this variant (Variation ID: 1370834). An algorithm developed to predict the effect of missense changes on protein structure and function (PolyPhen-2) suggests that this variant is likely to be disruptive. In summary, the available evidence is currently insufficient to determine the role of this variant in disease. Therefore, it has been classified as a Variant of Uncertain Significance.